The following is an entry in ClinVar:

NM_001130144.3(LTBP3):c.782C>T (p.Pro261Leu)

Gene: LTBP3 (latent transforming growth factor beta binding protein 3; minus strand). Cytogenetic location: 11q13.1.
Variant type: single nucleotide variant.
Coding change: c.782C>T on transcript NM_001130144.3 (MANE Select); coding-DNA position 782, C replaced by T.
Protein change: p.Pro261Leu; replaces proline 261 with leucine.
Molecular consequence: missense variant.
Genome position (GRCh38, 1-based): chr11:65,553,783, G>A on the plus strand (C>T on the coding strand, the complement: LTBP3 is on the minus strand). VCF-style: chr11-65553783-G-A. GRCh37 (hg19) VCF-style: chr11-65321254-G-A.
Other names: c.431C>T, p.Pro144Leu (NM_001164266.1); c.782C>T, p.Pro261Leu (NM_021070.4); short protein forms P261L, P144L.
Identifiers: ClinVar variation 4766262 (VCV004766262.1).

ClinVar aggregate classification (germline): Uncertain significance (1 of 4 stars; one submission).

Conditions:
Brachyolmia-amelogenesis imperfecta syndrome. Also called: Tooth agenesis, selective, 6; Dental anomalies and short stature; PLATYSPONDYLY WITH AMELOGENESIS IMPERFECTA. Identifiers: Orphanet 2899, MedGen C1832594, MONDO:0011018, OMIM 601216. Disease mechanism: loss of function.

gnomAD v4.1: 6 of 1,566,854 alleles (0.00038%); highest among the groups gnomAD compares: South Asian, 0.0069%; no homozygotes.

Submission:

Labcorp Genetics (formerly Invitae), Labcorp
Classification: Uncertain significance for Brachyolmia-amelogenesis imperfecta syndrome. Last evaluated: 2025-09-28. Review status: criteria provided, single submitter. Criteria: Invitae Variant Classification Sherloc (09022015). Collection method: clinical testing. Allele origin: germline.
Comment: This sequence change replaces proline, which is neutral and non-polar, with leucine, which is neutral and non-polar, at codon 261 of the LTBP3 protein (p.Pro261Leu). The frequency data for this variant in the population databases is considered unreliable, as metrics indicate poor data quality at this position in the gnomAD database. This variant has not been reported in the literature in individuals affected with LTBP3-related conditions. An algorithm developed to predict the effect of missense changes on protein structure and function (PolyPhen-2) suggests that this variant is likely to be tolerated. In summary, the available evidence is currently insufficient to determine the role of this variant in disease. Therefore, it has been classified as a Variant of Uncertain Significance.